The following is an entry in ClinVar:

ClinVar aggregate classification (germline): Conflicting classifications of pathogenicity. Review status: criteria provided, conflicting classifications (1 of 4 stars). 3 submissions from 3 submitters: Uncertain significance (2); Likely benign (1). Last evaluated 2025-12-01.

Conditions:
Agammaglobulinemia 8b, autosomal recessive. Also called: AGAMMAGLOBULINEMIA, AUTOSOMAL RECESSIVE, DUE TO TCF3 DEFECT. Identifiers: MedGen C5676958, MONDO:0859234, OMIM 619824.
TCF3-related disorder. Also called: TCF3-related condition.

Allele frequency attached by ClinVar (database versions not stated): gnomAD 0.00011 and 0.00012; ExAC 0.00012; gnomAD exomes 0.00012 and 0.00018; TOPMed 0.00016; 1000 Genomes Project 0.00040.
gnomAD v4.1: 201 of 1,613,312 alleles (0.012%); highest among the groups gnomAD compares: Middle Eastern, 0.13%; no homozygotes.

Submissions (3):

Labcorp Genetics (formerly Invitae), Labcorp
Classification: Uncertain significance. Last evaluated: 2025-12-01. Review status: criteria provided, single submitter. Criteria: Invitae Variant Classification Sherloc (09022015). Collection method: clinical testing. Allele origin: germline.
Comment: This sequence change replaces lysine, which is basic and polar, with glutamic acid, which is acidic and polar, at codon 519 of the TCF3 protein (p.Lys519Glu). This variant is present in population databases (rs199682849, gnomAD 0.05%). This variant has not been reported in the literature in individuals affected with TCF3-related conditions. ClinVar contains an entry for this variant (Variation ID: 1406326). Invitae Evidence Modeling of protein sequence and biophysical properties (such as structural, functional, and spatial information, amino acid conservation, physicochemical variation, residue mobility, and thermodynamic stability) indicates that this missense variant is not expected to disrupt TCF3 protein function with a negative predictive value of 80%. In summary, the available evidence is currently insufficient to determine the role of this variant in disease. Therefore, it has been classified as a Variant of Uncertain Significance.

PreventionGenetics, part of Exact Sciences
Classification: Uncertain significance for TCF3-related condition. Last evaluated: 2024-10-08. Review status: criteria provided, single submitter. Criteria: ACMG Guidelines, 2015. Collection method: clinical testing. Allele origin: germline.
Comment: The TCF3 c.1555A>G variant is predicted to result in the amino acid substitution p.Lys519Glu. To our knowledge, this variant has not been reported in the literature. This variant is reported in 0.048% of alleles in individuals of Latino descent in gnomAD. Although we suspect that this variant may be benign, at this time, the clinical significance of this variant is uncertain due to the absence of conclusive functional and genetic evidence.

3billion
Classification: Likely benign for Agammaglobulinemia 8b, autosomal recessive. Last evaluated: 2024-09-20. Review status: criteria provided, single submitter. Criteria: ACMG Guidelines, 2015. Collection method: clinical testing. Allele origin: germline. Affected: no.
Comment: The homozygous variant was found in patients diagnosed with another variant in a different gene, with no symptoms related to the gene containing the homozygous variant.

NM_003200.5(TCF3):c.1555A>G (p.Lys519Glu)

Gene: TCF3 (transcription factor 3; minus strand). Cytogenetic location: 19p13.3.
Variant type: single nucleotide variant.
Coding change: c.1555A>G on transcript NM_003200.5 (MANE Select); coding-DNA position 1555, A replaced by G.
Protein change: p.Lys519Glu; replaces lysine 519 with glutamic acid.
Molecular consequence: missense variant.
Genome position (GRCh38, 1-based): chr19:1,615,717, T>C on the plus strand (A>G on the coding strand, the complement: TCF3 is on the minus strand). VCF-style: chr19-1615717-T-C. GRCh37 (hg19) VCF-style: chr19-1615716-T-C.
Other names: c.1555A>G, p.Lys519Glu (NM_001136139.4, NM_001351779.2); c.1552A>G, p.Lys518Glu (NM_001351778.2); c.1555A>G (NM_003200.3); short protein forms K518E, K519E.
Identifiers: ClinVar variation 1406326 (VCV001406326.8), dbSNP rs199682849, ClinGen allele CA9049768.
Genomic context (GRCh38, chr19:1,615,717, plus strand): 5'-GTGGGGAGTGCCGAGGGGTGGGTTGGCACCTGGTCCGGGCCCGGGGGGCCTTCAGCTCCT[T>C]CTTCTCCTCCTCCGAGTGGTCAGCCGCTGACGTGTTCTCCTCGTCCTCCTTCTCCTCCCG-3'
Protein context (NP_003191.1, residues 509-529): SAADHSEEEK[Lys519Glu]ELKAPRARTS